The following is an entry in ClinVar:

ClinVar aggregate classification (germline): Uncertain significance. Review status: criteria provided, multiple submitters, no conflicts (2 of 4 stars). 16 submissions from 14 submitters: Uncertain significance (12). 4 of the submissions do not count toward it. Last evaluated 2026-02-16.

Conditions:
MUSCULAR DYSTROPHY, LIMB-GIRDLE, AUTOSOMAL RECESSIVE 6, DIGENIC.
Autosomal recessive limb-girdle muscular dystrophy type 2F (LGMDR6). Also called: MUSCULAR DYSTROPHY, LIMB-GIRDLE, AUTOSOMAL RECESSIVE 6; Muscular dystrophy limb-girdle with delta-sarcoglyan deficiency. Identifiers: Orphanet 219, MedGen C1832525, MONDO:0011028, OMIM 601287. Disease mechanism: Affects gamma-sarcoglycan and also disrupts the integrity of the entire sarcoglycan complex..
Dilated cardiomyopathy 1L (CMD1L). Identifiers: Orphanet 154, MedGen C1847667, MONDO:0011702, OMIM 606685.

Allele frequency attached by ClinVar (database versions not stated): TOPMed 0.00011; gnomAD 0.00012 and 0.00013; gnomAD exomes 0.00020; ExAC 0.00026.
gnomAD v4.1: 360 of 1,612,572 alleles (0.022%); highest among the groups gnomAD compares: South Asian, 0.054%; no homozygotes.

Submissions (16):

Women's Health and Genetics/Laboratory Corporation of America, LabCorp
Classification: Uncertain significance. Last evaluated: 2026-02-16. Review status: criteria provided, single submitter. Criteria: LabCorp Variant Classification Summary - May 2015. Collection method: clinical testing. Allele origin: germline.
Comment: Variant summary: SGCD c.451T>G (p.Ser151Ala) results in a conservative amino acid change in the encoded protein sequence. Algorithms developed to predict the effect of missense changes on protein structure and function are either unavailable or do not agree on the potential impact of this missense change. The variant allele was found at a frequency of 0.0002 in 248134 control chromosomes. This frequency is not significantly higher than estimated for disease-causing variants in SGCD, allowing no conclusion about variant significance. c.451T>G has been observed in individuals affected with dilated cardiomyopathy (e.g.Tsubata_2000, Pugh_2014) or limb-girdle muscular dystrophy (Trabelsi_2008, Bauer_2009, Bevilacqua_2024), without strong evidence for causality. These reports do not provide unequivocal conclusions about association of the variant withSGCD-related conditions. At least one publication reports experimental evidence evaluating an impact on protein function and has shown the variant leads to defective intracellular trafficking of the protein (Soheili_2011). The following publications have been ascertained in the context of this evaluation (PMID: 19259135, 39678382, 17164264, 36291626, 26498160, 24503780, 23695275, 22095924, 31019283, 18285821, 10974018, 16432241). ClinVar contains an entry for this variant (Variation ID: 8176). Based on the evidence outlined above, the variant was classified as uncertain significance.

Revvity Omics, Revvity
Classification: Uncertain significance. Last evaluated: 2024-11-28. Review status: criteria provided, single submitter. Criteria: ACMG Guidelines, 2015. Collection method: clinical testing. Allele origin: germline.

Blueprint Genetics
Classification: Uncertain significance. Last evaluated: 2024-10-25. Review status: criteria provided, single submitter. Criteria: ACMG Guidelines, 2015. Collection method: clinical testing. Allele origin: germline.

Genome-Nilou Lab
Classification: Uncertain significance for Autosomal recessive limb-girdle muscular dystrophy type 2F. Last evaluated: 2023-02-08. Review status: criteria provided, single submitter. Criteria: ACMG Guidelines, 2015. Collection method: clinical testing. Allele origin: germline.

Genome-Nilou Lab
Classification: Uncertain significance for Dilated cardiomyopathy 1L. Last evaluated: 2023-02-08. Review status: criteria provided, single submitter. Criteria: ACMG Guidelines, 2015. Collection method: clinical testing. Allele origin: germline.

Labcorp Genetics (formerly Invitae), Labcorp
Classification: Uncertain significance for Autosomal recessive limb-girdle muscular dystrophy type 2F. Last evaluated: 2022-10-05. Review status: criteria provided, single submitter. Criteria: Invitae Variant Classification Sherloc (09022015). Collection method: clinical testing. Allele origin: germline.
Comment: This sequence change replaces serine, which is neutral and polar, with alanine, which is neutral and non-polar, at codon 151 of the SGCD protein (p.Ser151Ala). This variant is present in population databases (rs121909298, gnomAD 0.06%). This missense change has been observed in individual(s) with early onset dilated cardiomyopathy and/or SGCD-related conditions (PMID: 10974018, 19259135). It has also been observed to segregate with disease in related individuals. ClinVar contains an entry for this variant (Variation ID: 8176). Advanced modeling of protein sequence and biophysical properties (such as structural, functional, and spatial information, amino acid conservation, physicochemical variation, residue mobility, and thermodynamic stability) performed at Invitae indicates that this missense variant is not expected to disrupt SGCD protein function. Experimental studies have shown that this missense change affects SGCD function (PMID: 16432241, 17164264, 19771157, 22095924, 23695275). In summary, the available evidence is currently insufficient to determine the role of this variant in disease. Therefore, it has been classified as a Variant of Uncertain Significance.

Fulgent Genetics
Classification: Uncertain significance for Autosomal recessive limb-girdle muscular dystrophy type 2F; Dilated cardiomyopathy 1L. Last evaluated: 2022-05-17. Review status: criteria provided, single submitter. Criteria: ACMG Guidelines, 2015. Collection method: clinical testing. Allele origin: unknown.

GeneDx
Classification: Uncertain significance. Last evaluated: 2021-05-13. Review status: criteria provided, single submitter. Criteria: GeneDx Variant Classification Process June 2021. Collection method: clinical testing. Allele origin: germline. Affected: yes.
Comment: Reported in association with both DCM and segregated with disease in three individuals from one family (Tsubata et al., 2000) and reported in a patient with LGMD who also harbored a partial duplication of exon 1 in the SGCB gene (Trabelsi et al., 2008); Functional studies demonstrate that this variant may result in improper trafficking to the cellular membrane (Soheili et al., 2012); Reported in ClinVar as a variant of uncertain significance (ClinVar Variant ID# 8176; Landrum et al., 2016); In silico analysis supports that this missense variant does not alter protein structure/function; This variant is associated with the following publications: (PMID: 30564623, 28401079, 19771157, 14564412, 10974018, 16432241, 23695275, 19259135, 18285821, 17164264, 22095924, 31019283)

CeGaT Center for Human Genetics Tuebingen
Classification: Uncertain significance. Last evaluated: 2020-01-01. Review status: criteria provided, single submitter. Criteria: CeGaT Center For Human Genetics Tuebingen Variant Classification Criteria Version 2. Collection method: clinical testing. Allele origin: germline. Affected: yes. Observed: 1 variant allele.

Equipe Genetique des Anomalies du Developpement, Université de Bourgogne
Classification: Uncertain significance for Dilated cardiomyopathy 1L. Last evaluated: 2018-11-21. Review status: criteria provided, single submitter. Criteria: ACMG Guidelines, 2015. Collection method: clinical testing. Allele origin: unknown.

Molecular Diagnostic Laboratory for Inherited Cardiovascular Disease, Montreal Heart Institute
Classification: Uncertain significance. Last evaluated: 2017-04-04. Review status: criteria provided, single submitter. Criteria: ACMG Guidelines, 2015. Collection method: clinical testing. Allele origin: germline. Affected: yes.

Eurofins Ntd Llc (ga)
Classification: Uncertain significance. Last evaluated: 2016-02-09. Review status: criteria provided, single submitter. Criteria: EGL Classification Definitions 2015. Collection method: clinical testing. Allele origin: germline. Observed: 1 variant allele, 1 heterozygote.

Division of Human Genetics, Children's Hospital of Philadelphia
Classification: Uncertain significance for Cardiomyopathy, dilated, 1L. Last evaluated: 2014-07-17. Review status: no assertion criteria provided. Collection method: research. Allele origin: maternal. Affected: yes. Study: CSER-PediSeq. Not counted in ClinVar's aggregate classification.
Comment: This test identified a missense variant (c.451T>G; p.Ser151Ala) in the SGCD gene, which is associated with dilated cardiomyopathy 1L (autosomal dominant) and limb girdle muscular dystrophy type 2F (autosomal recessive). This variant was found in two families tested for dilated cardiomyopathy and limb girdle muscular dyatrophy (Tsubata et al. 2000, PMID: 10974018; Trabelsi et al. 2008, PMID: 18285821). Functional analysis suggests that this variant may be associated with dilated cardiomyopathy (Heydemann et al. 2007, PMID: 17164264) or "a mild, subclinical phenotype of cardiomyopathy" (Rutschow et al. 2014, PMID: 23695275), but a previous report found this variant to be present in individuals unaffected with dilated cardiomyopathy (Bauer et al. 2009, PMID: 19259135). Due to lack of clear association of the gene and variant with dilated cardiomyopathy, c.451T>C; p.Ser151Ala is considered a variant of unknown significance. In this family, the variant did not segregate with disease, making it less likely to be associated with the cardiac findings.

OMIM
Classification: Pathogenic for CARDIOMYOPATHY, DILATED, 1L. Last evaluated: 2014-01-01. Review status: no assertion criteria provided. Collection method: literature only. Allele origin: germline. Not counted in ClinVar's aggregate classification.

OMIM
Classification: Pathogenic for MUSCULAR DYSTROPHY, LIMB-GIRDLE, AUTOSOMAL RECESSIVE 6, DIGENIC. Last evaluated: 2014-01-01. Review status: no assertion criteria provided. Collection method: literature only. Allele origin: germline. Not counted in ClinVar's aggregate classification.

Laboratory for Molecular Medicine, Mass General Brigham Personalized Medicine
Classification: Uncertain significance. Last evaluated: 2009-11-03. Review status: no assertion criteria provided. Collection method: clinical testing. Allele origin: germline. Observed: 1 variant allele. Not counted in ClinVar's aggregate classification.

Literature cited by the submitters: PubMed 10974018 (cited by 5 submitters); PubMed 24503780 (cited by Women's Health and Genetics/Laboratory Corporation of America, LabCorp); PubMed 26498160 (cited by Women's Health and Genetics/Laboratory Corporation of America, LabCorp); PubMed 18285821 (cited by 3 submitters); PubMed 22095924 (cited by Women's Health and Genetics/Laboratory Corporation of America, LabCorp and Labcorp Genetics (formerly Invitae), Labcorp); PubMed 19259135 (cited by 5 submitters); PubMed 17164264 (cited by 5 submitters); PubMed 23695275 (cited by 4 submitters); PubMed 31019283 (cited by Women's Health and Genetics/Laboratory Corporation of America, LabCorp); PubMed 16432241 (cited by Women's Health and Genetics/Laboratory Corporation of America, LabCorp and Labcorp Genetics (formerly Invitae), Labcorp); PubMed 36291626 (cited by Women's Health and Genetics/Laboratory Corporation of America, LabCorp); PubMed 39678382 (cited by Women's Health and Genetics/Laboratory Corporation of America, LabCorp); PubMed 19771157 (cited by Labcorp Genetics (formerly Invitae), Labcorp); PubMed 14564412 (cited by Laboratory for Molecular Medicine, Mass General Brigham Personalized Medicine).

NM_000337.6(SGCD):c.451T>G (p.Ser151Ala)

Gene: SGCD (sarcoglycan delta; plus strand). Cytogenetic location: 5q33.3.
Variant type: single nucleotide variant.
Coding change: c.451T>G on transcript NM_000337.6 (MANE Select); coding-DNA position 451, T replaced by G.
Protein change: p.Ser151Ala; replaces serine 151 with alanine.
Molecular consequence: missense variant.
Genome position (GRCh38, 1-based): chr5:156,595,000, T>G. VCF-style: chr5-156595000-T-G. GRCh37 (hg19) VCF-style: chr5-156022010-T-G.
Other names: rs121909298; c.448T>G, p.Ser150Ala (NM_001128209.2); c.451T>G, p.Ser151Ala (NM_172244.3); short protein forms S151A, S150A.
Identifiers: ClinVar variation 8176 (VCV000008176.69), dbSNP rs121909298, ClinGen allele CA119347.
Genomic context (GRCh38, chr5:156,595,000, plus strand): 5'-GCCGTAGAAGCTTATGGTAAAAAATTTGAGGTAAAAACTGTTTCTGGAAAATTGCTCTTC[T>G]CTGCAGACAATAATGAAGTGGTAGTAGGAGCTGAAAGATTACGAGTTTTAGGTAAGGAAA-3'
Protein context (NP_000328.2, residues 141-161): VKTVSGKLLF[Ser151Ala]ADNNEVVVGA